The following is an entry in ClinVar:

NM_203290.4(POLR1C):c.771C>T (p.Phe257=)

Gene: POLR1C (RNA polymerase I and III subunit C; plus strand). Cytogenetic location: 6p21.1.
Variant type: single nucleotide variant.
Coding change: c.771C>T on transcript NM_203290.4 (MANE Select); coding-DNA position 771, C replaced by T.
Protein change: p.Phe257=; no amino-acid change (phenylalanine 257 retained).
Molecular consequence: synonymous variant.
Genome position (GRCh38, 1-based): chr6:43,520,740, C>T. VCF-style: chr6-43520740-C-T. GRCh37 (hg19) VCF-style: chr6-43488478-C-T.
Other names: c.771C>T, p.Phe257= (NM_001318876.2, NM_001363658.2).
Identifiers: ClinVar variation 761748 (VCV000761748.22), dbSNP rs776376952, ClinGen allele CA3825561.
Genomic context (GRCh38, chr6:43,520,740, plus strand): 5'-AGACATCACCCTGCTTGAGCCCGTGGAAGGGGAGGCAGCTGAGGAGTTGAGCAGGTGCTT[C>T]TCACCTGGTGTTATTGAGGTGCAGGAAGTCCAAGGTATGGTATTTGGGATGCTGTTCAAG-3'
Protein context (NP_976035.1, residues 247-267): GEAAEELSRC[Phe257=]SPGVIEVQEV

ClinVar aggregate classification (germline): Conflicting classifications of pathogenicity. Review status: criteria provided, conflicting classifications (1 of 4 stars). 5 submissions from 5 submitters: Uncertain significance (1); Likely benign (3). 1 of the submissions does not count toward it. Last evaluated 2026-09-01.

Conditions:
POLR1C-related disorder. Also called: POLR1C-related disorders; POLR1C-related condition. Identifiers: MedGen CN239394, MONDO:0700278.
Treacher Collins syndrome 3 (TCS3). Also called: POLR1C-Related Treacher Collins Syndrome. Identifiers: Orphanet 861, MedGen C1855433, MONDO:0009558, OMIM 248390.

Allele frequency attached by ClinVar (database versions not stated): TOPMed 0.00004; gnomAD 0.00007.
gnomAD v4.1: 74 of 1,613,922 alleles (0.0046%); highest among the groups gnomAD compares: Non-Finnish European, 0.0058%; no homozygotes.

Submissions (5):

CeGaT Center for Human Genetics Tuebingen
Classification: Likely benign. Last evaluated: 2026-09-01. Review status: criteria provided, single submitter. Criteria: CeGaT Center For Human Genetics Tuebingen Variant Classification Criteria Version 2. Collection method: clinical testing. Allele origin: germline. Affected: yes. Observed: 1 variant allele.
Comment: POLR1C: BP4, BP7

Labcorp Genetics (formerly Invitae), Labcorp
Classification: Likely benign. Last evaluated: 2025-10-13. Review status: criteria provided, single submitter. Criteria: Invitae Variant Classification Sherloc (09022015). Collection method: clinical testing. Allele origin: germline.

Blueprint Genetics
Classification: Likely benign. Last evaluated: 2024-08-19. Review status: criteria provided, single submitter. Criteria: ACMG Guidelines, 2015. Collection method: clinical testing. Allele origin: germline.

Illumina Laboratory Services, Illumina
Classification: Uncertain significance for Treacher Collins syndrome 3. Last evaluated: 2018-01-13. Review status: criteria provided, single submitter. Criteria: ICSL Variant Classification Criteria 13 December 2019. Collection method: clinical testing. Allele origin: germline.

PreventionGenetics, part of Exact Sciences
Classification: Likely benign for POLR1C-related condition. Last evaluated: 2019-12-16. Review status: no assertion criteria provided. Collection method: clinical testing. Allele origin: germline. Not counted in ClinVar's aggregate classification.
Comment: This variant is classified as likely benign based on ACMG/AMP sequence variant interpretation guidelines (Richards et al. 2015 PMID: 25741868, with internal and published modifications).